The following is an entry in ClinVar:

ClinVar aggregate classification (germline): Benign/Likely benign. Review status: criteria provided, multiple submitters, no conflicts (2 of 4 stars). 8 submissions from 8 submitters: Benign (4); Likely benign (3). 1 of the submissions does not count toward it. Last evaluated 2026-09-01.

Conditions:
Inborn genetic diseases. Identifiers: MedGen C0950123, MeSH D030342.
Autosomal dominant Parkinson disease 8. Also called: LRRK2-Related Parkinson Disease; Parkinson disease 8; Parkinson disease 8, susceptibility to. Identifiers: Orphanet 411602, MedGen C1846862, MONDO:0011764, OMIM 607060.

Allele frequency attached by ClinVar (database versions not stated): 1000 Genomes Project 30x 0.00156; 1000 Genomes Project 0.00140; ESP Exome Variant Server 0.00054; TOPMed 0.00088.
gnomAD v4.1: 2,645 of 1,613,700 alleles (0.16%); highest among the groups gnomAD compares: South Asian, 0.6%; 16 homozygotes.

Submissions (8):

CeGaT Center for Human Genetics Tuebingen
Classification: Benign. Last evaluated: 2026-09-01. Review status: criteria provided, single submitter. Criteria: CeGaT Center For Human Genetics Tuebingen Variant Classification Criteria Version 2. Collection method: clinical testing. Allele origin: germline. Affected: yes. Observed: 8 variant alleles.
Comment: LRRK2: BP4, BP7, BS1, BS2

Labcorp Genetics (formerly Invitae), Labcorp
Classification: Benign for Autosomal dominant Parkinson disease 8. Last evaluated: 2025-12-16. Review status: criteria provided, single submitter. Criteria: Invitae Variant Classification Sherloc (09022015). Collection method: clinical testing. Allele origin: germline.

Blueprint Genetics
Classification: Likely benign. Last evaluated: 2024-11-11. Review status: criteria provided, single submitter. Criteria: ACMG Guidelines, 2015. Collection method: clinical testing. Allele origin: germline.

Ambry Genetics
Classification: Likely benign for Inborn genetic diseases. Last evaluated: 2022-02-12. Review status: criteria provided, single submitter. Criteria: Ambry Variant Classification Scheme 2023. Collection method: clinical testing. Allele origin: germline.

Fulgent Genetics
Classification: Likely benign for Autosomal dominant Parkinson disease 8. Last evaluated: 2021-09-22. Review status: criteria provided, single submitter. Criteria: ACMG Guidelines, 2015. Collection method: clinical testing. Allele origin: unknown.

Illumina Laboratory Services, Illumina
Classification: Benign for Autosomal dominant Parkinson disease 8. Last evaluated: 2018-01-12. Review status: criteria provided, single submitter. Criteria: ICSL Variant Classification Criteria 13 December 2019. Collection method: clinical testing. Allele origin: germline.
Comment: This variant was observed in the ICSL laboratory as part of a predisposition screen in an ostensibly healthy population. It had not been previously curated by ICSL or reported in the Human Gene Mutation Database (HGMD: prior to June 1st, 2018), and was therefore a candidate for classification through an automated scoring system. Utilizing variant allele frequency, disease prevalence and penetrance estimates, and inheritance mode, an automated score was calculated to assess if this variant is too frequent to cause the disease. Based on the score and internal cut-off values, a variant classified as benign is not then subjected to further curation. The score for this variant resulted in a classification of benign for this disease.

Breakthrough Genomics
Classification: Benign. Review status: criteria provided, single submitter. Criteria: ACMG Guidelines, 2015. Collection method: not provided. Allele origin: germline. Inheritance: Autosomal dominant inheritance. Affected: yes.

GeneReviews
No classification provided. Condition: Autosomal dominant Parkinson disease 8. Review status: no classification provided. Collection method: literature only. Allele origin: unknown. Not counted in ClinVar's aggregate classification.

Literature cited by the submitters: PubMed 20301387 (cited by GeneReviews); NCBI Bookshelf NBK1208 (cited by GeneReviews).

NM_198578.4(LRRK2):c.936G>T (p.Ala312=)

Gene: LRRK2 (leucine rich repeat kinase 2; plus strand). Cytogenetic location: 12q12.
Variant type: single nucleotide variant.
Coding change: c.936G>T on transcript NM_198578.4 (MANE Select); coding-DNA position 936, G replaced by T.
Protein change: p.Ala312=; no amino-acid change (alanine 312 retained).
Molecular consequence: synonymous variant.
Genome position (GRCh38, 1-based): chr12:40,249,923, G>T. VCF-style: chr12-40249923-G-T. GRCh37 (hg19) VCF-style: chr12-40643725-G-T.
Identifiers: ClinVar variation 39246 (VCV000039246.45), dbSNP rs41286466, ClinGen allele CA343701.
Genomic context (GRCh38, chr12:40,249,923, plus strand): 5'-TGAGTTTGTGGTGAAAGCTGTGCAGCAGTACCCAGAGAATGCAGCATTGCAGATCTCAGC[G>T]CTCAGCTGTTTGGCCCTCCTCAGTAAGTAACTTCACTAAAAAGGGGATTCTTACAGAGGC-3'
Protein context (NP_940980.4, residues 302-322): YPENAALQIS[Ala312=]LSCLALLTET